The following is an entry in ClinVar:

NM_016616.5(NME8):c.1319C>A (p.Ala440Asp)

Gene: NME8 (NME/NM23 family member 8; plus strand). Cytogenetic location: 7p14.1.
Variant type: single nucleotide variant.
Coding change: c.1319C>A on transcript NM_016616.5 (MANE Select); coding-DNA position 1319, C replaced by A.
Protein change: p.Ala440Asp; replaces alanine 440 with aspartic acid.
Molecular consequence: missense variant.
Genome position (GRCh38, 1-based): chr7:37,888,348, C>A. VCF-style: chr7-37888348-C-A. GRCh37 (hg19) VCF-style: chr7-37927950-C-A.
Other names: c.1319C>A (NM_016616.4); short protein forms A440D.
Identifiers: ClinVar variation 2721732 (VCV002721732.4), dbSNP rs1342251170, ClinGen allele CA367216298.

ClinVar aggregate classification (germline): Uncertain significance. Review status: criteria provided, multiple submitters, no conflicts (2 of 4 stars). 2 submissions from 2 submitters: Uncertain significance (2). Last evaluated 2023-12-13.

Conditions:
Primary ciliary dyskinesia 6. Also called: Primary Ciliary Dyskinesia 6: TXNDC3-Related Primary Ciliary Dyskinesia. Identifiers: Orphanet 244, MedGen C1970506, MONDO:0012571, OMIM 610852.
Primary ciliary dyskinesia. Also called: Ciliary dyskinesia. Identifiers: Orphanet 244, MedGen C0008780, MONDO:0016575, HP:0012265.

Allele frequency attached by ClinVar (database versions not stated): gnomAD exomes below 0.00001; gnomAD 0.00001; TOPMed 0.00001.
gnomAD v4.1: 9 of 1,613,418 alleles (0.00056%); highest among the groups gnomAD compares: Non-Finnish European, 0.00059%; no homozygotes.

Submissions (2):

Labcorp Genetics (formerly Invitae), Labcorp
Classification: Uncertain significance for Primary ciliary dyskinesia 6. Last evaluated: 2023-12-13. Review status: criteria provided, single submitter. Criteria: Invitae Variant Classification Sherloc (09022015). Collection method: clinical testing. Allele origin: germline.
Comment: This sequence change replaces alanine, which is neutral and non-polar, with aspartic acid, which is acidic and polar, at codon 440 of the NME8 protein (p.Ala440Asp). This variant is present in population databases (no rsID available, gnomAD 0.0009%). This variant has not been reported in the literature in individuals affected with NME8-related conditions. Advanced modeling of protein sequence and biophysical properties (such as structural, functional, and spatial information, amino acid conservation, physicochemical variation, residue mobility, and thermodynamic stability) performed at Invitae indicates that this missense variant is expected to disrupt NME8 protein function with a positive predictive value of 80%. In summary, the available evidence is currently insufficient to determine the role of this variant in disease. Therefore, it has been classified as a Variant of Uncertain Significance.

Ambry Genetics
Classification: Uncertain significance for Primary ciliary dyskinesia. Last evaluated: 2023-11-17. Review status: criteria provided, single submitter. Criteria: Ambry Variant Classification Scheme 2023. Collection method: clinical testing. Allele origin: germline.
Comment: The p.A440D variant (also known as c.1319C>A), located in coding exon 13 of the NME8 gene, results from a C to A substitution at nucleotide position 1319. The alanine at codon 440 is replaced by aspartic acid, an amino acid with dissimilar properties. This amino acid position is conserved. In addition, the in silico prediction for this alteration is inconclusive. Since supporting evidence is limited at this time, the clinical significance of this alteration remains unclear.